The following is an entry in ClinVar:

NM_004928.3(CFAP410):c.340_351dup (p.Thr114_Arg117dup)

Gene: CFAP410 (cilia and flagella associated protein 410; minus strand). Cytogenetic location: 21q22.3.
Variant type: Duplication.
Coding change: c.340_351dup on transcript NM_004928.3 (MANE Select); coding-DNA positions 340 to 351, 12 bases duplicated (ACCCTGCCGCGC).
Protein change: p.Thr114_Arg117dup.
Molecular consequence: inframe insertion.
Genome position (GRCh38, 1-based): chr21:44,333,055-44,333,066, GCGCGGCAGGGT duplicated on the plus strand (ACCCTGCCGCGC on the coding strand, the reverse complement: CFAP410 is on the minus strand); duplicating any 12 consecutive bases within chr21:44,333,055-44,333,070 gives the same sequence; the c. name uses the placement nearest the transcript's 3' end. VCF-style (leftmost placement, unchanged base first): chr21-44333054-G-GGCGCGGCAGGGT. GRCh37 (hg19) VCF-style: chr21-45752937-G-GGCGCGGCAGGGT.
Other names: c.340_351dup, p.Thr114_Arg117dup (NM_001271440.2, NM_001271441.2); c.217_228dup, p.Thr73_Arg76dup (NM_001271442.1).
Identifiers: ClinVar variation 1522689 (VCV001522689.8), dbSNP rs1322189782, ClinGen allele CA638494153.

ClinVar aggregate classification (germline): Pathogenic/Likely pathogenic. Review status: criteria provided, multiple submitters, no conflicts (2 of 4 stars). 3 submissions from 3 submitters: Pathogenic (2); Likely pathogenic (1). Last evaluated 2025-04-14.

Conditions:
CFAP410-related disorder. Also called: CFAP410-related condition.
Retinal dystrophy with or without macular staphyloma. Identifiers: Orphanet 653709, MedGen C4479651, MONDO:0060507, OMIM 617547.

Submissions (3):

Labcorp Genetics (formerly Invitae), Labcorp
Classification: Pathogenic. Last evaluated: 2025-04-14. Review status: criteria provided, single submitter. Criteria: Invitae Variant Classification Sherloc (09022015). Collection method: clinical testing. Allele origin: germline.
Comment: This variant, c.340_351dup, results in the insertion of 4 amino acid(s) of the CFAP410 protein (p.Thr114_Arg117dup), but otherwise preserves the integrity of the reading frame. This variant is present in population databases (no rsID available, gnomAD 0.07%). This variant has been observed in individual(s) with cone-rod dystrophy and/or retinitis pigmentosa (PMID: 34915818, 38153748). In at least one individual the data is consistent with being in trans (on the opposite chromosome) from a pathogenic variant. ClinVar contains an entry for this variant (Variation ID: 1522689). Experimental studies and prediction algorithms are not available or were not evaluated, and the functional significance of this variant is currently unknown. For these reasons, this variant has been classified as Pathogenic.

Blueprint Genetics
Classification: Pathogenic for CFAP410-related disorders. Last evaluated: 2022-06-03. Review status: criteria provided, single submitter. Criteria: ACMG Guidelines, 2015. Collection method: clinical testing. Allele origin: germline. Affected: yes. Observed: 3 variant alleles.

Juno Genomics, Hangzhou Juno Genomics, Inc
Classification: Likely pathogenic for Retinal dystrophy with or without macular staphyloma. Review status: criteria provided, single submitter. Criteria: ACMG Guidelines, 2015. Collection method: clinical testing. Allele origin: germline. Affected: yes.
Comment: Absent from controls (or at extremely low frequency if recessive) in Genome Aggregation Database, Exome Sequencing Project, 1000 Genomes Project, or Exome Aggregation Consortium.;Protein length changes due to in-frame deletions/insertions in a non-repeat region or stop-loss variants.;For recessive disorders, detected in trans with a pathogenic variant.;Co-segregation with disease in multiple affected family members in a gene definitively known to cause the disease.

Literature cited by the submitters: PubMed 34915818 (cited by Labcorp Genetics (formerly Invitae), Labcorp); PubMed 38153748 (cited by Labcorp Genetics (formerly Invitae), Labcorp).